The following is an entry in ClinVar:

NM_000038.6(APC):c.1408+6A>C

Gene: APC (APC regulator of Wnt signaling pathway; plus strand). Cytogenetic location: 5q22.2.
Variant type: single nucleotide variant.
Coding change: c.1408+6A>C on transcript NM_000038.6 (MANE Select); 6 bases into the intron after coding-DNA position 1408, A replaced by C.
Molecular consequence: intron variant.
Genome position (GRCh38, 1-based): chr5:112,821,997, A>C. VCF-style: chr5-112821997-A-C. GRCh37 (hg19) VCF-style: chr5-112157694-A-C.
Other names: c.1408+6A>C (NM_001354895.2, NM_001127510.3, NM_001354896.2 and 1 more transcripts); c.1438+6A>C (NM_001354897.2); c.1135+6A>C (NM_001354902.2); c.1354+6A>C (NM_001127511.3); c.1333+6A>C (NM_001354898.2); c.1030+6A>C (NM_001354904.2); c.559+6A>C (NM_001354906.2); c.1105+6A>C (NM_001354903.2); and 3 more.
Identifiers: ClinVar variation 1436050 (VCV001436050.5), dbSNP rs1257598835, ClinGen allele CA561904165.

ClinVar aggregate classification (germline): Uncertain significance. Review status: criteria provided, multiple submitters, no conflicts (2 of 4 stars). 3 submissions from 3 submitters: Uncertain significance (3). Last evaluated 2025-02-13.

Conditions:
Familial adenomatous polyposis 1 (FAP1). Also called: FAMILIAL ADENOMATOUS POLYPOSIS 1, ATTENUATED; POLYPOSIS, ADENOMATOUS INTESTINAL. Identifiers: MedGen C2713442, MONDO:0021056, OMIM 175100. Disease mechanism: loss of function.

Allele frequency attached by ClinVar (database versions not stated): gnomAD exomes 0.00001.
gnomAD v4.1: 12 of 1,591,802 alleles (0.00075%); highest among the groups gnomAD compares: Non-Finnish European, 0.001%; no homozygotes.

Submissions (3):

Quest Diagnostics Nichols Institute San Juan Capistrano
Classification: Uncertain significance. Last evaluated: 2025-02-13. Review status: criteria provided, single submitter. Criteria: Quest Diagnostics criteria. Collection method: clinical testing. Allele origin: unknown.
Comment: The APC c.1408+6A>C variant has not been reported in individuals with APC-related conditions in the published literature. The frequency of this variant in the general population (Genome Aggregation Database) is uninformative in the assessment of its pathogenicity. Analysis of this variant using software algorithms for the prediction of the effect of nucleotide changes on splicing yielded predictions that this variant does not affect APC mRNA splicing. Based on the available information, we are unable to determine the clinical significance of this variant.

GeneDx
Classification: Uncertain significance. Last evaluated: 2023-09-13. Review status: criteria provided, single submitter. Criteria: GeneDx Variant Classification Process June 2021. Collection method: clinical testing. Allele origin: germline. Affected: yes.
Comment: Not observed at significant frequency in large population cohorts (gnomAD); In silico analysis supports that this variant does not alter splicing; Has not been previously published as pathogenic or benign to our knowledge

Labcorp Genetics (formerly Invitae), Labcorp
Classification: Uncertain significance for Familial adenomatous polyposis 1. Last evaluated: 2023-01-03. Review status: criteria provided, single submitter. Criteria: Invitae Variant Classification Sherloc (09022015). Collection method: clinical testing. Allele origin: germline.
Comment: Variants that disrupt the consensus splice site are a relatively common cause of aberrant splicing (PMID: 17576681, 9536098). Algorithms developed to predict the effect of sequence changes on RNA splicing suggest that this variant is not likely to affect RNA splicing. ClinVar contains an entry for this variant (Variation ID: 1436050). This variant has not been reported in the literature in individuals affected with APC-related conditions. This variant is present in population databases (no rsID available, gnomAD 0.007%). This sequence change falls in intron 11 of the APC gene. It does not directly change the encoded amino acid sequence of the APC protein. It affects a nucleotide within the consensus splice site. In summary, the available evidence is currently insufficient to determine the role of this variant in disease. Therefore, it has been classified as a Variant of Uncertain Significance.

Literature cited by the submitters: PubMed 17576681 (cited by Labcorp Genetics (formerly Invitae), Labcorp); PubMed 9536098 (cited by Labcorp Genetics (formerly Invitae), Labcorp).